The following is an entry in ClinVar:

ClinVar aggregate classification (germline): Uncertain significance. Review status: criteria provided, multiple submitters, no conflicts (2 of 4 stars). 2 submissions from 2 submitters: Uncertain significance (2). Last evaluated 2025-02-11.

Submissions (2):

Labcorp Genetics (formerly Invitae), Labcorp
Classification: Uncertain significance. Last evaluated: 2025-02-11. Review status: criteria provided, single submitter. Criteria: Invitae Variant Classification Sherloc (09022015). Collection method: clinical testing. Allele origin: germline.
Comment: This sequence change replaces glycine, which is neutral and non-polar, with valine, which is neutral and non-polar, at codon 388 of the PITPNM3 protein (p.Gly388Val). This variant is not present in population databases (gnomAD no frequency). This variant has not been reported in the literature in individuals affected with PITPNM3-related conditions. Invitae Evidence Modeling of protein sequence and biophysical properties (such as structural, functional, and spatial information, amino acid conservation, physicochemical variation, residue mobility, and thermodynamic stability) indicates that this missense variant is not expected to disrupt PITPNM3 protein function with a negative predictive value of 80%. In summary, the available evidence is currently insufficient to determine the role of this variant in disease. Therefore, it has been classified as a Variant of Uncertain Significance.

Blueprint Genetics
Classification: Uncertain significance. Last evaluated: 2022-05-13. Review status: criteria provided, single submitter. Criteria: ACMG Guidelines, 2015. Collection method: clinical testing. Allele origin: germline.

NM_031220.4(PITPNM3):c.1163G>T (p.Gly388Val)

Gene: PITPNM3 (PITPNM family member 3; minus strand). Cytogenetic location: 17p13.2.
Variant type: single nucleotide variant.
Coding change: c.1163G>T on transcript NM_031220.4 (MANE Select); coding-DNA position 1163, G replaced by T.
Protein change: p.Gly388Val; replaces glycine 388 with valine.
Molecular consequence: missense variant.
Genome position (GRCh38, 1-based): chr17:6,474,527, C>A on the plus strand (G>T on the coding strand, the complement: PITPNM3 is on the minus strand). VCF-style: chr17-6474527-C-A. GRCh37 (hg19) VCF-style: chr17-6377847-C-A.
Other names: c.1055G>T, p.Gly352Val (NM_001165966.2); short protein forms G352V, G388V.
Identifiers: ClinVar variation 4768372 (VCV004768372.2).